The following is an entry in ClinVar:

NM_000020.3(ACVRL1):c.686A>G (p.Lys229Arg)

Gene: ACVRL1 (activin A receptor like type 1; plus strand). Cytogenetic location: 12q13.13.
Variant type: single nucleotide variant.
Coding change: c.686A>G on transcript NM_000020.3 (MANE Select); coding-DNA position 686, A replaced by G.
Protein change: p.Lys229Arg; replaces lysine 229 with arginine.
Molecular consequence: missense variant.
Genome position (GRCh38, 1-based): chr12:51,914,499, A>G. VCF-style: chr12-51914499-A-G. GRCh37 (hg19) VCF-style: chr12-52308283-A-G.
Other names: c.374A>G, p.Lys125Arg (NM_001406492.1, NM_001406493.1, NM_001406494.1 and 2 more transcripts); c.122A>G, p.Lys41Arg (NM_001406495.1); c.686A>G, p.Lys229Arg (NM_001077401.2, NM_001406487.1, NM_001406488.1 and 1 more transcripts); short protein forms K41R, K229R, K125R.
Identifiers: ClinVar variation 2735871 (VCV002735871.3), dbSNP rs1940782891, ClinGen allele CA384900072.
Genomic context (GRCh38, chr12:51,914,499, plus strand): 5'-GAAAAGGCCGCTATGGCGAAGTGTGGCGGGGCTTGTGGCACGGTGAGAGTGTGGCCGTCA[A>G]GATCTTCTCCTCGAGGGATGAACAGTCCTGGTTCCGGGAGACTGAGATCTATAACACAGT-3'
Protein context (NP_000011.2, residues 219-239): GLWHGESVAV[Lys229Arg]IFSSRDEQSW

ClinVar aggregate classification (germline): Likely pathogenic (1 of 4 stars; one submission).

Conditions:
Telangiectasia, hereditary hemorrhagic, type 2 (HHT2). Also called: ACVRL1-Related Hereditary Hemorrhagic Telangiectasia; Telangiectasia, hereditary hemorrhagic, type II. Identifiers: Orphanet 774, MedGen C1838163, MONDO:0010880, OMIM 600376. Disease mechanism: loss of function.

Submission:

Labcorp Genetics (formerly Invitae), Labcorp
Classification: Likely pathogenic for Telangiectasia, hereditary hemorrhagic, type 2. Last evaluated: 2024-09-24. Review status: criteria provided, single submitter. Criteria: Invitae Variant Classification Sherloc (09022015). Collection method: clinical testing. Allele origin: germline.
Comment: This sequence change replaces lysine, which is basic and polar, with arginine, which is basic and polar, at codon 229 of the ACVRL1 protein (p.Lys229Arg). This variant is not present in population databases (gnomAD no frequency). This missense change has been observed in individual(s) with clinical features of hereditary hemorrhagic telangiectasia (PMID: 15024723). Invitae Evidence Modeling of protein sequence and biophysical properties (such as structural, functional, and spatial information, amino acid conservation, physicochemical variation, residue mobility, and thermodynamic stability) indicates that this missense variant is expected to disrupt ACVRL1 protein function with a positive predictive value of 95%. Experimental studies have shown that this missense change affects ACVRL1 function (PMID: 15993872). This variant disrupts the p.Lys229 amino acid residue in ACVRL1. Other variant(s) that disrupt this residue have been determined to be pathogenic (PMID: 16429404; internal data). This suggests that this residue is clinically significant, and that variants that disrupt this residue are likely to be disease-causing. In summary, the currently available evidence indicates that the variant is pathogenic, but additional data are needed to prove that conclusively. Therefore, this variant has been classified as Likely Pathogenic.

Literature cited by the submitters: PubMed 15024723; PubMed 15993872; PubMed 16429404.